The following is an entry in ClinVar:

ClinVar aggregate classification (germline): Uncertain significance (1 of 4 stars; one submission).

Conditions:
Immunodeficiency 23 (IMD23). Also called: IMMUNODEFICIENCY-VASCULITIS-MYOCLONUS SYNDROME; IMMUNODEFICIENCY WITH HYPER IgE AND COGNITIVE IMPAIRMENT. Identifiers: Orphanet 443811, MedGen C4014371, MONDO:0014353, OMIM 615816.

Allele frequency attached by ClinVar (database versions not stated): gnomAD exomes below 0.00001; ExAC 0.00001; TOPMed 0.00001.
gnomAD v4.1: 5 of 1,614,040 alleles (0.00031%); highest among the groups gnomAD compares: African/African-American, 0.0027%; no homozygotes.

Submission:

Labcorp Genetics (formerly Invitae), Labcorp
Classification: Uncertain significance for Immunodeficiency 23. Last evaluated: 2023-08-02. Review status: criteria provided, single submitter. Criteria: Invitae Variant Classification Sherloc (09022015). Collection method: clinical testing. Allele origin: germline.
Comment: In summary, the available evidence is currently insufficient to determine the role of this variant in disease. Therefore, it has been classified as a Variant of Uncertain Significance. Experimental studies and prediction algorithms are not available or were not evaluated, and the functional significance of this variant is currently unknown. This variant has not been reported in the literature in individuals affected with PGM3-related conditions. This variant is not present in population databases (gnomAD no frequency). This sequence change creates a premature translational stop signal (p.Gln557*) in the PGM3 gene. While this is not anticipated to result in nonsense mediated decay, it is expected to disrupt the last 14 amino acid(s) of the PGM3 protein.

NM_015599.3(PGM3):c.1585C>T (p.Gln529Ter)

Genes: DOP1A (DOP1 leucine zipper like protein A; plus strand), PGM3 (phosphoglucomutase 3; minus strand). Cytogenetic location: 6q14.1.
Variant type: single nucleotide variant.
Coding change: c.1585C>T on transcript NM_015599.3 (MANE Select); coding-DNA position 1585, C replaced by T.
Protein change: p.Gln529Ter; replaces glutamine 529 with a stop codon.
Molecular consequence: nonsense. On other transcripts: 3 prime UTR variant (1), non-coding transcript variant (1).
Genome position (GRCh38, 1-based): chr6:83,169,278, G>A on the plus strand (C>T on the coding strand, the complement: PGM3 is on the minus strand). VCF-style: chr6-83169278-G-A. GRCh37 (hg19) VCF-style: chr6-83878997-G-A.
Other names: c.1669C>T, p.Gln557Ter (NM_001199917.2, NM_001367287.1); c.*20C>T (NM_001199918.2); c.1585C>T, p.Gln529Ter (NM_001199919.2); c.1462C>T, p.Gln488Ter (NM_001367286.1); short protein forms Q529*, Q557*, Q488*.
Identifiers: ClinVar variation 2919133 (VCV002919133.2), dbSNP rs768292010, ClinGen allele CA3906469.
Genomic context (GRCh38, chr6:83,169,278, plus strand): 5'-AATATGAAAATTATCTTCAGAAACCTGGTTGGGGCCTTTCTCCAATTCCTCCAGCCAGCT[G>A]AAATACTGCCAAGCTCACTTCATGTGCAAGGTGATCTGCACTTTCCTGCAAATTACATTA-3'